The following is an entry in ClinVar:

NM_138694.4(PKHD1):c.7350+2T>C

Gene: PKHD1 (PKHD1 ciliary IPT domain containing fibrocystin/polyductin; minus strand). Cytogenetic location: 6p12.2.
Variant type: single nucleotide variant.
Coding change: c.7350+2T>C on transcript NM_138694.4 (MANE Select); the canonical splice donor site of the intron after coding-DNA position 7350, T replaced by C.
Molecular consequence: splice donor variant.
Genome position (GRCh38, 1-based): chr6:51,883,091, A>G on the plus strand (T>C on the coding strand, the complement: PKHD1 is on the minus strand). VCF-style: chr6-51883091-A-G. GRCh37 (hg19) VCF-style: chr6-51747889-A-G.
Other names: c.7350+2T>C (NM_170724.3).
Identifiers: ClinVar variation 4816741 (VCV004816741.1).
Genomic context (GRCh38, chr6:51,883,091, plus strand): 5'-GGCCCAGCACATGTAATTTTGTTGTGATTGACAGCCTAAAACAACCACACTAAGGCACTT[A>G]CCTTGTGGGCAAAATGACCAAGTAATAAGCTGTCAGTAACTGAAGTATTTGCATCACTTT-3'

ClinVar aggregate classification (germline): Likely pathogenic (1 of 4 stars; one submission).

Conditions:
Autosomal recessive polycystic kidney disease (ARPKD). Also called: AR polycystic kidney disease. Identifiers: Orphanet 731, Orphanet 8378, MedGen C0085548, MeSH D017044, MONDO:0009889.

Submission:

Natera, Inc.
Classification: Likely pathogenic for Autosomal recessive polycystic kidney disease. Last evaluated: 2026-01-22. Review status: criteria provided, single submitter. Criteria: Natera Variant Classification Schema (03/2026). Collection method: clinical testing. Allele origin: germline.
Comment: The c.7350+2T>C variant in PKHD1 is a canonical splice donor site variant predicted to affect pre-mRNA splicing, which may result in an abnormal transcript and altered protein product. This variant is expected to result in nonsense mediated decay, truncation, or a dysfunctional protein product. This variant is rare in the general population with a frequency below the threshold expected for the associated phenotype(s). Given the available evidence, this variant is classified as Likely Pathogenic.